The following is an entry in ClinVar:

ClinVar aggregate classification (germline): Uncertain significance (1 of 4 stars; one submission).

Submission:

Labcorp Genetics (formerly Invitae), Labcorp
Classification: Uncertain significance. Last evaluated: 2024-01-29. Review status: criteria provided, single submitter. Criteria: Invitae Variant Classification Sherloc (09022015). Collection method: clinical testing. Allele origin: germline.
Comment: This sequence change replaces proline, which is neutral and non-polar, with serine, which is neutral and polar, at codon 78 of the BCAT2 protein (p.Pro78Ser). This variant is not present in population databases (gnomAD no frequency). This variant has not been reported in the literature in individuals affected with BCAT2-related conditions. ClinVar contains an entry for this variant (Variation ID: 2039080). Advanced modeling of protein sequence and biophysical properties (such as structural, functional, and spatial information, amino acid conservation, physicochemical variation, residue mobility, and thermodynamic stability) has been performed at Invitae for this missense variant, however the output from this modeling did not meet the statistical confidence thresholds required to predict the impact of this variant on BCAT2 protein function. In summary, the available evidence is currently insufficient to determine the role of this variant in disease. Therefore, it has been classified as a Variant of Uncertain Significance.

NM_001190.4(BCAT2):c.232C>T (p.Pro78Ser)

Gene: BCAT2 (branched chain amino acid transaminase 2; minus strand). Cytogenetic location: 19q13.33.
Variant type: single nucleotide variant.
Coding change: c.232C>T on transcript NM_001190.4 (MANE Select); coding-DNA position 232, C replaced by T.
Protein change: p.Pro78Ser; replaces proline 78 with serine.
Molecular consequence: missense variant. On other transcripts: intron variant (1).
Genome position (GRCh38, 1-based): chr19:48,806,585, G>A on the plus strand (C>T on the coding strand, the complement: BCAT2 is on the minus strand). VCF-style: chr19-48806585-G-A. GRCh37 (hg19) VCF-style: chr19-49309842-G-A.
Other names: c.112C>T, p.Pro38Ser (NM_001284325.2); c.24+4399C>T (NM_001164773.2); short protein forms P38S, P78S.
Identifiers: ClinVar variation 2039080 (VCV002039080.4), dbSNP rs2514100816, ClinGen allele CA406727370.